The following is an entry in ClinVar:

ClinVar aggregate classification (germline): Likely benign (1 of 4 stars; one submission).

gnomAD v4.1: 8 of 1,614,082 alleles (0.0005%); highest among the groups gnomAD compares: Admixed American, 0.0033%; no homozygotes.

Submission:

Mayo Clinic Laboratories, Mayo Clinic
Classification: Likely benign. Last evaluated: 2025-08-29. Review status: criteria provided, single submitter. Criteria: ACMG Guidelines, 2015. Collection method: clinical testing. Allele origin: germline. Observed: 1 variant allele.
Comment: BP1, BP4, PM2_supporting

NM_014244.5(ADAMTS2):c.2408G>A (p.Arg803Gln)

Gene: ADAMTS2 (ADAM metallopeptidase with thrombospondin type 1 motif 2; minus strand). Cytogenetic location: 5q35.3.
Variant type: single nucleotide variant.
Coding change: c.2408G>A on transcript NM_014244.5 (MANE Select); coding-DNA position 2408, G replaced by A.
Protein change: p.Arg803Gln; replaces arginine 803 with glutamine.
Molecular consequence: missense variant.
Genome position (GRCh38, 1-based): chr5:179,129,981, C>T on the plus strand (G>A on the coding strand, the complement: ADAMTS2 is on the minus strand). VCF-style: chr5-179129981-C-T. GRCh37 (hg19) VCF-style: chr5-178556982-C-T.
Other names: p.Arg803Gln; short protein forms R803Q.
Identifiers: ClinVar variation 4684890 (VCV004684890.1).
Genomic context (GRCh38, chr5:179,129,981, plus strand): 5'-CTTGGACTCACCAGAACGGTGATGGTGCCGTGGAGGGGGCCCATGGTCTGCAGCGTCTCC[C>T]GGCCGTCCTCGTCTCTGTACTCCCACTCCACGCCCATGGCAATGAAGGTTTTGGAACTGG-3'
Protein context (NP_055059.2, residues 793-813): VEWEYRDEDG[Arg803Gln]ETLQTMGPLH